The following is an entry in ClinVar:

ClinVar aggregate classification (germline): Benign. Review status: criteria provided, multiple submitters, no conflicts (2 of 4 stars). 5 submissions from 5 submitters: Benign (5). Last evaluated 2026-01-29.

Allele frequency attached by ClinVar (database versions not stated): ExAC 0.00768; gnomAD exomes 0.00647; gnomAD 0.02529 and 0.02701; 1000 Genomes Project 0.02875; TOPMed 0.02912; 1000 Genomes Project 30x 0.03092; ESP Exome Variant Server 0.02829.
gnomAD v4.1: 7,399 of 1,612,754 alleles (0.46%); highest among the groups gnomAD compares: African/African-American, 8.8%; 277 homozygotes.

Submissions (5):

Labcorp Genetics (formerly Invitae), Labcorp
Classification: Benign. Last evaluated: 2026-01-29. Review status: criteria provided, single submitter. Criteria: Invitae Variant Classification Sherloc (09022015). Collection method: clinical testing. Allele origin: germline.

Mayo Clinic Laboratories, Mayo Clinic
Classification: Benign. Last evaluated: 2019-12-02. Review status: criteria provided, single submitter. Criteria: ACMG Guidelines, 2015. Collection method: clinical testing. Allele origin: germline. Observed: 14 variant alleles.

GeneDx
Classification: Benign. Last evaluated: 2014-02-09. Review status: criteria provided, single submitter. Criteria: GeneDx Variant Classification (06012015). Collection method: clinical testing. Allele origin: germline. Affected: yes.
Comment: This variant is considered likely benign or benign based on one or more of the following criteria: it is a conservative change, it occurs at a poorly conserved position in the protein, it is predicted to be benign by multiple in silico algorithms, and/or has population frequency not consistent with disease.

Breakthrough Genomics
Classification: Benign. Review status: criteria provided, single submitter. Criteria: ACMG Guidelines, 2015. Collection method: not provided. Allele origin: germline. Inheritance: Autosomal recessive inheritance. Affected: yes.

PreventionGenetics, part of Exact Sciences
Classification: Benign. Review status: criteria provided, single submitter. Criteria: ACMG Guidelines, 2015. Collection method: clinical testing. Allele origin: germline.

NM_018109.4(MTPAP):c.115G>T (p.Asp39Tyr)

Genes: MTPAP (mitochondrial poly(A) polymerase; minus strand), LOC130003598 (ATAC-STARR-seq lymphoblastoid active region 3207; plus strand). Cytogenetic location: 10p11.23.
Variant type: single nucleotide variant.
Coding change: c.115G>T on transcript NM_018109.4 (MANE Select); coding-DNA position 115, G replaced by T.
Protein change: p.Asp39Tyr; replaces aspartic acid 39 with tyrosine.
Molecular consequence: missense variant.
Genome position (GRCh38, 1-based): chr10:30,349,161, C>A on the plus strand (G>T on the coding strand, the complement: MTPAP is on the minus strand). VCF-style: chr10-30349161-C-A. GRCh37 (hg19) VCF-style: chr10-30638090-C-A.
Other names: p.D39Y:GAC>TAC; p.Asp39Tyr; short protein forms D39Y.
Identifiers: ClinVar variation 138279 (VCV000138279.13), dbSNP rs114438816, ClinGen allele CA292201.
Genomic context (GRCh38, chr10:30,349,161, plus strand): 5'-GCAAACCGGCGCCATCACCTGTCTCCACGCTCCCTGAAGGCTGCTCGTCTCTCCTAAGGT[C>A]TTTGGCCACAGTTCCTGGGCAACTCAAAAGCCTGACGATAGGCCGCTGGACTCGAGTTCT-3'
Protein context (NP_060579.3, residues 29-49): LLSCPGTVAK[Asp39Tyr]LRRDEQPSGS